The following is an entry in ClinVar:

NM_003265.3(TLR3):c.2501A>T (p.His834Leu)

Gene: TLR3 (toll like receptor 3; plus strand). Cytogenetic location: 4q35.1.
Variant type: single nucleotide variant.
Coding change: c.2501A>T on transcript NM_003265.3 (MANE Select); coding-DNA position 2501, A replaced by T.
Protein change: p.His834Leu; replaces histidine 834 with leucine.
Molecular consequence: missense variant.
Genome position (GRCh38, 1-based): chr4:186,084,659, A>T. VCF-style: chr4-186084659-A-T. GRCh37 (hg19) VCF-style: chr4-187005813-A-T.
Other names: short protein forms H834L.
Identifiers: ClinVar variation 2051314 (VCV002051314.4), dbSNP rs773807808, ClinGen allele CA3161597.

ClinVar aggregate classification (germline): Uncertain significance (1 of 4 stars; one submission).

Conditions:
Encephalopathy, acute, infection-induced (herpes-specific), susceptibility to, 1. Also called: Herpes simplex encephalitis, susceptibility to, 1. Identifiers: Orphanet 1930, MedGen C2750180, MONDO:0024563, OMIM 610551.

Allele frequency attached by ClinVar (database versions not stated): TOPMed below 0.00001; ExAC 0.00001; gnomAD exomes 0.00001.
gnomAD v4.1: 6 of 1,611,176 alleles (0.00037%); highest among the groups gnomAD compares: Admixed American, 0.01%; no homozygotes.

Submission:

Labcorp Genetics (formerly Invitae), Labcorp
Classification: Uncertain significance for Encephalopathy, acute, infection-induced (herpes-specific), susceptibility to, 1. Last evaluated: 2024-06-21. Review status: criteria provided, single submitter. Criteria: Invitae Variant Classification Sherloc (09022015). Collection method: clinical testing. Allele origin: germline.
Comment: This sequence change replaces histidine, which is basic and polar, with leucine, which is neutral and non-polar, at codon 834 of the TLR3 protein (p.His834Leu). This variant is present in population databases (rs773807808, gnomAD 0.01%). This variant has not been reported in the literature in individuals affected with TLR3-related conditions. ClinVar contains an entry for this variant (Variation ID: 2051314). An algorithm developed to predict the effect of missense changes on protein structure and function (PolyPhen-2) suggests that this variant is likely to be disruptive. In summary, the available evidence is currently insufficient to determine the role of this variant in disease. Therefore, it has been classified as a Variant of Uncertain Significance.